The following is an entry in ClinVar:

ClinVar aggregate classification (germline): Likely benign (0 of 4 stars; one submission).

Conditions:
Familial cancer of breast. Also called: BREAST CANCER, FAMILIAL; hereditary breast carcinoma; Hereditary breast cancer. Identifiers: Orphanet 227535, MedGen C0346153, MONDO:0016419, OMIM 114480. Disease mechanism: loss of function.

Submission:

Leiden Open Variation Database
Classification: Likely benign for Familial cancer of breast. Last evaluated: 2019-05-13. Review status: no assertion criteria provided. Collection method: curation. Allele origin: germline. Affected: yes.
Comment: Curators: Marc Tischkowitz, Arleen D. Auerbach. Submitter to LOVD: Marc Tischkowitz.

Literature cited by the submitters: PubMed 20122277.

NM_024675.4(PALB2):c.618T>G (p.Leu206=)

Gene: PALB2 (partner and localizer of BRCA2; minus strand). Cytogenetic location: 16p12.2.
Variant type: single nucleotide variant.
Coding change: c.618T>G on transcript NM_024675.4 (MANE Select); coding-DNA position 618, T replaced by G.
Protein change: p.Leu206=; no amino-acid change (leucine 206 retained).
Molecular consequence: synonymous variant.
Genome position (GRCh38, 1-based): chr16:23,635,928, A>C on the plus strand (T>G on the coding strand, the complement: PALB2 is on the minus strand). VCF-style: chr16-23635928-A-C. GRCh37 (hg19) VCF-style: chr16-23647249-A-C.
Identifiers: ClinVar variation 126759 (VCV000126759.3), dbSNP rs180177088, ClinGen allele CA269639.